The following is an entry in ClinVar:

NM_133433.4(NIPBL):c.836G>A (p.Cys279Tyr)

Gene: NIPBL (NIPBL cohesin loading factor; plus strand). Cytogenetic location: 5p13.2.
Variant type: single nucleotide variant.
Coding change: c.836G>A on transcript NM_133433.4 (MANE Select); coding-DNA position 836, G replaced by A.
Protein change: p.Cys279Tyr; replaces cysteine 279 with tyrosine.
Molecular consequence: missense variant.
Genome position (GRCh38, 1-based): chr5:36,972,009, G>A. VCF-style: chr5-36972009-G-A. GRCh37 (hg19) VCF-style: chr5-36972111-G-A.
Other names: c.836G>A, p.Cys279Tyr (NM_015384.5); short protein forms C279Y.
Identifiers: ClinVar variation 2164141 (VCV002164141.4), dbSNP rs754508684, ClinGen allele CA3235937.

ClinVar aggregate classification (germline): Uncertain significance (1 of 4 stars; one submission).

Conditions:
Cornelia de Lange syndrome 1 (CDLS1). Also called: NIPBL-Related Cornelia de Lange Syndrome; TYPUS DEGENERATIVUS AMSTELODAMENSIS; Brachmann de Lange syndrome. Identifiers: Orphanet 199, MedGen C4551851, MONDO:0007387, OMIM 122470.

Allele frequency attached by ClinVar (database versions not stated): TOPMed below 0.00001; ExAC 0.00001; gnomAD 0.00001; gnomAD exomes 0.00002.
gnomAD v4.1: 38 of 1,613,190 alleles (0.0024%); highest among the groups gnomAD compares: Non-Finnish European, 0.0031%; no homozygotes.

Submission:

Labcorp Genetics (formerly Invitae), Labcorp
Classification: Uncertain significance for Cornelia de Lange syndrome 1. Last evaluated: 2022-09-01. Review status: criteria provided, single submitter. Criteria: Invitae Variant Classification Sherloc (09022015). Collection method: clinical testing. Allele origin: germline.
Comment: This sequence change replaces cysteine, which is neutral and slightly polar, with tyrosine, which is neutral and polar, at codon 279 of the NIPBL protein (p.Cys279Tyr). In summary, the available evidence is currently insufficient to determine the role of this variant in disease. Therefore, it has been classified as a Variant of Uncertain Significance. Advanced modeling of protein sequence and biophysical properties (such as structural, functional, and spatial information, amino acid conservation, physicochemical variation, residue mobility, and thermodynamic stability) performed at Invitae indicates that this missense variant is expected to disrupt NIPBL protein function. This variant has not been reported in the literature in individuals affected with NIPBL-related conditions. This variant is present in population databases (rs754508684, gnomAD 0.002%).